The following is an entry in ClinVar:

NM_001199138.2(NLRC4):c.297C>T (p.Asp99=)

Gene: NLRC4 (NLR family CARD domain containing 4; minus strand). Cytogenetic location: 2p22.3.
Variant type: single nucleotide variant.
Coding change: c.297C>T on transcript NM_001199138.2 (MANE Select); coding-DNA position 297, C replaced by T.
Protein change: p.Asp99=; no amino-acid change (aspartic acid 99 retained).
Molecular consequence: synonymous variant. On other transcripts: intron variant (1).
Genome position (GRCh38, 1-based): chr2:32,251,567, G>A on the plus strand (C>T on the coding strand, the complement: NLRC4 is on the minus strand). VCF-style: chr2-32251567-G-A. GRCh37 (hg19) VCF-style: chr2-32476636-G-A.
Other names: c.262+852C>T (NM_001302504.1); c.297C>T, p.Asp99= (NM_001199139.2, NM_021209.5).
Identifiers: ClinVar variation 103084 (VCV000103084.13), dbSNP rs199475952, ClinGen allele CA230093.
Genomic context (GRCh38, chr2:32,251,567, plus strand): 5'-GGGATAAAAGTTCAGAAAAGATGGGGTATGGTACAAGTCCTTTAAATCCTGAGCCAAATC[G>A]TCCAAGTCTCCTTCTGATGTCTGATGAAAAAGACCTATTAGAGAAGAGGTGATGTTAAAG-3'
Protein context (NP_001186067.1, residues 89-109): LFHQTSEGDL[Asp99=]DLAQDLKDLY

ClinVar aggregate classification (germline): Likely benign. Review status: criteria provided, multiple submitters, no conflicts (2 of 4 stars). 4 submissions from 4 submitters: Likely benign (2). 2 of the submissions do not count toward it. Last evaluated 2024-12-20.

Conditions:
NLRC4-related disorder. Also called: NLRC4-related condition.
Periodic fever-infantile enterocolitis-autoinflammatory syndrome. Also called: Autoinflammation with infantile enterocolitis. Identifiers: Orphanet 436166, MedGen C4015067, MONDO:0014472, OMIM 616050.
Familial cold autoinflammatory syndrome 4 (FCAS4). Identifiers: Orphanet 47045, Orphanet 576349, MedGen C4015276, MONDO:0014498, OMIM 616115.

Allele frequency attached by ClinVar (database versions not stated): gnomAD 0.00001 and 0.00002; TOPMed 0.00002.
gnomAD v4.1: 22 of 1,608,428 alleles (0.0014%); highest among the groups gnomAD compares: Middle Eastern, 0.017%; no homozygotes.

Submissions (4):

Labcorp Genetics (formerly Invitae), Labcorp
Classification: Likely benign for Periodic fever-infantile enterocolitis-autoinflammatory syndrome; Familial cold autoinflammatory syndrome 4. Last evaluated: 2024-12-20. Review status: criteria provided, single submitter. Criteria: Invitae Variant Classification Sherloc (09022015). Collection method: clinical testing. Allele origin: germline.

Blueprint Genetics
Classification: Likely benign. Last evaluated: 2024-09-26. Review status: criteria provided, single submitter. Criteria: ACMG Guidelines, 2015. Collection method: clinical testing. Allele origin: germline.

PreventionGenetics, part of Exact Sciences
Classification: Likely benign for NLRC4-related condition. Last evaluated: 2023-06-16. Review status: no assertion criteria provided. Collection method: clinical testing. Allele origin: germline. Not counted in ClinVar's aggregate classification.
Comment: This variant is classified as likely benign based on ACMG/AMP sequence variant interpretation guidelines (Richards et al. 2015 PMID: 25741868, with internal and published modifications).

Human Evolutionary Genetics, Institut Pasteur
No classification provided. Review status: no classification provided. Collection method: not provided. Allele origin: germline. Not counted in ClinVar's aggregate classification.
ClinVar note: Converted during submission from untested to not provided.